The following is an entry in ClinVar:

NM_000888.5(ITGB6):c.2091del (p.Asn698fs)

Gene: ITGB6 (integrin subunit beta 6; minus strand). Cytogenetic location: 2q24.2.
Variant type: Deletion.
Coding change: c.2091del on transcript NM_000888.5 (MANE Select); coding-DNA position 2091, one base deleted (C; older notation c.2091delC).
Protein change: p.Asn698fs; shifts the reading frame from asparagine 698.
Molecular consequence: frameshift variant.
Genome position (GRCh38, 1-based): chr2:160,112,090, G deleted on the plus strand (C on the coding strand, the reverse complement: ITGB6 is on the minus strand). VCF-style (leftmost placement, unchanged base first): chr2-160112089-TG-T. GRCh37 (hg19) VCF-style: chr2-160968600-TG-T.
Other names: c.2091del, p.Asn698fs (NM_001282353.2); c.1806del, p.Asn603fs (NM_001282354.2); c.1770del, p.Asn591fs (NM_001282355.2); c.1965del, p.Asn656fs (NM_001282388.2); c.1872del, p.Asn625fs (NM_001282389.2); c.1677del, p.Asn560fs (NM_001282390.2); c.2091delC (NM_000888.5); short protein forms N560fs, N591fs, N603fs, N625fs, N656fs, N698fs.
Identifiers: ClinVar variation 4813983 (VCV004813983.1).

ClinVar aggregate classification (germline): Pathogenic (0 of 4 stars; one submission).

Conditions:
Amelogenesis imperfecta (AI). Also called: Congenital enamel hypoplasia. Identifiers: Orphanet 88661, MedGen C0002452, MONDO:0019507, HP:0000705.

Submission:

Dental Genetics Laboratory, Seoul National University School of Dentistry
Classification: Pathogenic for Amelogenesis Imperfecta. Review status: no assertion criteria provided. Collection method: clinical testing. Allele origin: maternal. Inheritance: Autosomal recessive inheritance. Affected: yes.
Comment: The CADD score was 34.0, indicating an extremely deleterious effect. The single‑nucleotide cytosine deletion in exon 13 would introduce a PTC in exon 14. The PTC is located 137 nucleotides upstream from the exon junction complex between exon 14 and exon 15 (the last exon). Therefore, the mutant transcript would be degraded via NMD, rather than producing a truncated protein with 12 instead of the normal 91 amino acids at the C‑terminus.